The following is an entry in ClinVar:

ClinVar aggregate classification (germline): Pathogenic. Review status: criteria provided, single submitter (1 of 4 stars). 2 submissions from 2 submitters: Pathogenic (1). 1 of the submissions does not count toward it. Last evaluated 2025-10-08.

Conditions:
Polycystic kidney disease. Also called: Polycystic kidney dysplasia; Kidney, Polycystic. Identifiers: MedGen C0022680, MeSH D007690, MONDO:0020642, HP:0000113.
Polycystic kidney disease, adult type (PKD1). Also called: POLYCYSTIC KIDNEY DISEASE, ADULT, TYPE I; Polycystic Kidney Disease 1, Autosomal Dominant; Polycystic kidney disease 1; Polycystic kidney disease 1, severe; Polycystic Kidney, Autosomal Dominant; POLYCYSTIC KIDNEY DISEASE 1 WITH OR WITHOUT POLYCYSTIC LIVER DISEASE. Identifiers: MedGen C3149841, MONDO:0008263, OMIM 173900.

Submissions (2):

Victorian Clinical Genetics Services, Murdoch Childrens Research Institute
Classification: Pathogenic for Polycystic kidney disease, adult type. Last evaluated: 2025-10-08. Review status: criteria provided, single submitter. Criteria: ACMG Guidelines, 2015. Collection method: clinical testing. Allele origin: germline. Affected: yes.
Comment: This variant is classified as Pathogenic. Evidence in support of pathogenic classification: Variant is predicted to cause nonsense-mediated decay (NMD) and loss of protein (premature termination codon is located at least 54 nucleotides upstream of the final exon-exon junction); Variant is absent from gnomAD (v2, v3 and v4); This variant has previous evidence of pathogenicity. It has been classified as pathogenic by one clinical laboratory in ClinVar; Other NMD-predicted variant(s) comparable to the one identified in this case have very strong previous evidence for pathogenicity (DECIPHER). Additional information: This variant is heterozygous; This gene is associated with autosomal dominant disease. Polycystic kidney disease 1 (MIM#173900) is predominantly caused by monoallelic variants, with rare reports of biallelic variants causing disease (OMIM); Loss of function is a known mechanism of disease in this gene and is associated with polycystic kidney disease 1 (MIM#173900); Inheritance information for this variant is not currently available in this individual.

Department of Pathology and Laboratory Medicine, Sinai Health System
Classification: Pathogenic for Polycystic Kidney disease. Review status: no assertion criteria provided. Collection method: clinical testing. Allele origin: unknown. Affected: yes. Study: The Canadian Open Genetics Repository (COGR). Not counted in ClinVar's aggregate classification.
Comment: The PKD1 p.Trp887* variant was not identified in the literature nor was it identified in dbSNP, ClinVar, LOVD 3.0, ADPKD Mutation Database, PKD1-LOVD, Exome Aggregation Consortium (August 8th 2016), or the Genome Aggregation Database (Feb 27, 2017). The c.2660G>A variant leads to a premature stop codon at position 887, which is predicted to lead to a truncated or absent protein and loss of function. Loss of function variants of the PKD1 gene are an established mechanism of disease in autosomal dominant polycystic kidney disease and is the type of variant expected to cause the disorder. In summary, based on the above information, this variant meets our laboratoryâ€šÃ„Ã´s criteria to be classified as pathogenic.

NM_001009944.3(PKD1):c.2660G>A (p.Trp887Ter)

Gene: PKD1 (polycystin 1, transient receptor potential channel interacting; minus strand). Cytogenetic location: 16p13.3.
Variant type: single nucleotide variant.
Coding change: c.2660G>A on transcript NM_001009944.3 (MANE Select); coding-DNA position 2660, G replaced by A.
Protein change: p.Trp887Ter; replaces tryptophan 887 with a stop codon.
Molecular consequence: nonsense.
Genome position (GRCh38, 1-based): chr16:2,114,363, C>T on the plus strand (G>A on the coding strand, the complement: PKD1 is on the minus strand). VCF-style: chr16-2114363-C-T. GRCh37 (hg19) VCF-style: chr16-2164364-C-T.
Other names: c.2660G>A, p.Trp887Ter (NM_000296.4); short protein forms W887*.
Identifiers: ClinVar variation 997140 (VCV000997140.3), dbSNP rs769587438, ClinGen allele CA394387179.